The following is an entry in ClinVar:

NM_001034850.3(RETREG1):c.1477C>T (p.Leu493=)

Gene: RETREG1 (reticulophagy regulator 1; minus strand). Cytogenetic location: 5p15.1.
Variant type: single nucleotide variant.
Coding change: c.1477C>T on transcript NM_001034850.3 (MANE Select); coding-DNA position 1477, C replaced by T.
Protein change: p.Leu493=; no amino-acid change (leucine 493 retained).
Molecular consequence: synonymous variant.
Genome position (GRCh38, 1-based): chr5:16,474,758, G>A on the plus strand (C>T on the coding strand, the complement: RETREG1 is on the minus strand). VCF-style: chr5-16474758-G-A. GRCh37 (hg19) VCF-style: chr5-16474867-G-A.
Other names: c.1054C>T, p.Leu352= (NM_019000.5).
Identifiers: ClinVar variation 703623 (VCV000703623.18), dbSNP rs759739482, ClinGen allele CA3210205.
Genomic context (GRCh38, chr5:16,474,758, plus strand): 5'-TTTTTTGGTGTTTTTTGTGCTCTGTTGCAAGCTGATTCCTAGATTAATGGCCTCCCAGCA[G>A]ATTTGAAAGGAAACCTGAAGACTTCTTATTTTGCTGTGCTTCTGCTTCCTGGTCTTGTGT-3'
Protein context (NP_001030022.1, residues 483-497): NKKSSGFLSN[Leu493=]LGGH

ClinVar aggregate classification (germline): Conflicting classifications of pathogenicity. Review status: criteria provided, conflicting classifications (1 of 4 stars). 3 submissions from 3 submitters: Uncertain significance (1); Likely benign (1). 1 of the submissions does not count toward it. Last evaluated 2025-12-17.

Conditions:
Neuropathy, hereditary sensory and autonomic, type 2B (HSAN2B). Also called: RETREG1-Related HSAN2 (HSAN2B). Identifiers: Orphanet 970, MedGen C2751092, MONDO:0013142, OMIM 613115.
RETREG1-related disorder. Also called: RETREG1-related condition.

Allele frequency attached by ClinVar (database versions not stated): gnomAD exomes 0.00009 and 0.00012; gnomAD 0.00014; ExAC 0.00016.
gnomAD v4.1: 152 of 1,611,224 alleles (0.0094%); highest among the groups gnomAD compares: Middle Eastern, 0.016%; no homozygotes.

Submissions (3):

Labcorp Genetics (formerly Invitae), Labcorp
Classification: Likely benign. Last evaluated: 2025-12-17. Review status: criteria provided, single submitter. Criteria: Invitae Variant Classification Sherloc (09022015). Collection method: clinical testing. Allele origin: germline.

Illumina Laboratory Services, Illumina
Classification: Uncertain significance for Neuropathy, hereditary sensory and autonomic, type 2B. Last evaluated: 2018-01-12. Review status: criteria provided, single submitter. Criteria: ICSL Variant Classification Criteria 13 December 2019. Collection method: clinical testing. Allele origin: germline.

PreventionGenetics, part of Exact Sciences
Classification: Likely benign for RETREG1-related condition. Last evaluated: 2019-02-28. Review status: no assertion criteria provided. Collection method: clinical testing. Allele origin: germline. Not counted in ClinVar's aggregate classification.
Comment: This variant is classified as likely benign based on ACMG/AMP sequence variant interpretation guidelines (Richards et al. 2015 PMID: 25741868, with internal and published modifications).